The following is an entry in ClinVar:

NM_001365951.3(KIF1B):c.3157C>G (p.Arg1053Gly)

Gene: KIF1B (kinesin family member 1B; plus strand). Cytogenetic location: 1p36.22.
Variant type: single nucleotide variant.
Coding change: c.3157C>G on transcript NM_001365951.3 (MANE Select); coding-DNA position 3157, C replaced by G.
Protein change: p.Arg1053Gly; replaces arginine 1053 with glycine.
Molecular consequence: missense variant.
Genome position (GRCh38, 1-based): chr1:10,337,101, C>G. VCF-style: chr1-10337101-C-G. GRCh37 (hg19) VCF-style: chr1-10397159-C-G.
Other names: c.3157C>G, p.Arg1053Gly (NM_001365952.1); c.3019C>G, p.Arg1007Gly (NM_015074.3); short protein forms R1007G, R1053G.
Identifiers: ClinVar variation 1798880 (VCV001798880.5), dbSNP rs778237450, ClinGen allele CA338339640.
Genomic context (GRCh38, chr1:10,337,101, plus strand): 5'-TTTACCATGTATCTGCCCCTGCCTTTTTTTCAGAGTGACTTTTCGTCTGTTGCAATGACT[C>G]GTTCTGGTCTGTCCTTGGAGGAGTTGAGGATTGTGGAAGGACAGGGTCAGAGTTCTGAGG-3'
Protein context (NP_001352880.1, residues 1043-1063): QSDFSSVAMT[Arg1053Gly]SGLSLEELRI

ClinVar aggregate classification (germline): Uncertain significance. Review status: criteria provided, multiple submitters, no conflicts (2 of 4 stars). 2 submissions from 2 submitters: Uncertain significance (2). Last evaluated 2022-11-04.

Conditions:
Charcot-Marie-Tooth disease type 2. Also called: Charcot-Marie-Tooth type 2. Identifiers: Orphanet 64746, MedGen C0270914, MONDO:0018993.

Submissions (2):

Labcorp Genetics (formerly Invitae), Labcorp
Classification: Uncertain significance for Charcot-Marie-Tooth disease type 2. Last evaluated: 2022-11-04. Review status: criteria provided, single submitter. Criteria: Invitae Variant Classification Sherloc (09022015). Collection method: clinical testing. Allele origin: germline.
Comment: In summary, the available evidence is currently insufficient to determine the role of this variant in disease. Therefore, it has been classified as a Variant of Uncertain Significance. Algorithms developed to predict the effect of missense changes on protein structure and function (SIFT, PolyPhen-2, Align-GVGD) all suggest that this variant is likely to be tolerated. This variant has not been reported in the literature in individuals affected with KIF1B-related conditions. This variant is not present in population databases (gnomAD no frequency). This sequence change replaces arginine, which is basic and polar, with glycine, which is neutral and non-polar, at codon 1007 of the KIF1B protein (p.Arg1007Gly).

Ambry Genetics
Classification: Uncertain significance. Last evaluated: 2021-04-16. Review status: criteria provided, single submitter. Criteria: Ambry Variant Classification Scheme 2023. Collection method: clinical testing. Allele origin: germline.
Comment: The p.R1007G variant (also known as c.3019C>G), located in coding exon 27 of the KIF1B gene, results from a C to G substitution at nucleotide position 3019. The arginine at codon 1007 is replaced by glycine, an amino acid with dissimilar properties. This amino acid position is well conserved in available vertebrate species. In addition, the in silico prediction for this alteration is inconclusive. Since supporting evidence is limited at this time, the clinical significance of this alteration remains unclear.